The following is an entry in ClinVar:

ClinVar aggregate classification (germline): Uncertain significance (1 of 4 stars; one submission).

Submission:

GeneDx
Classification: Uncertain significance. Last evaluated: 2025-04-11. Review status: criteria provided, single submitter. Criteria: GeneDx Variant Classification Process June 2021. Collection method: clinical testing. Allele origin: germline. Affected: yes.
Comment: Not observed at significant frequency in large population cohorts (gnomAD); In silico analysis indicates that this missense variant does not alter protein structure/function; Has not been previously published as pathogenic or benign to our knowledge

NM_001039876.3(SYNE4):c.1091T>A (p.Phe364Tyr)

Gene: SYNE4 (spectrin repeat containing nuclear envelope family member 4; minus strand). Cytogenetic location: 19q13.12.
Variant type: single nucleotide variant.
Coding change: c.1091T>A on transcript NM_001039876.3 (MANE Select); coding-DNA position 1091, T replaced by A.
Protein change: p.Phe364Tyr; replaces phenylalanine 364 with tyrosine.
Molecular consequence: missense variant.
Genome position (GRCh38, 1-based): chr19:36,003,461, A>T on the plus strand (T>A on the coding strand, the complement: SYNE4 is on the minus strand). VCF-style: chr19-36003461-A-T. GRCh37 (hg19) VCF-style: chr19-36494363-A-T.
Other names: c.752T>A, p.Phe251Tyr (NM_001297735.3); short protein forms F251Y, F364Y.
Identifiers: ClinVar variation 4281803 (VCV004281803.1).